The following is an entry in ClinVar:

ClinVar aggregate classification (germline): Uncertain significance (1 of 4 stars; one submission).

Submission:

Labcorp Genetics (formerly Invitae), Labcorp
Classification: Uncertain significance. Last evaluated: 2025-11-19. Review status: criteria provided, single submitter. Criteria: Invitae Variant Classification Sherloc (09022015). Collection method: clinical testing. Allele origin: germline.
Comment: This sequence change replaces alanine, which is neutral and non-polar, with glycine, which is neutral and non-polar, at codon 223 of the IL23R protein (p.Ala223Gly). This variant is not present in population databases (gnomAD no frequency). This variant has not been reported in the literature in individuals affected with IL23R-related conditions. An algorithm developed to predict the effect of missense changes on protein structure and function (PolyPhen-2) suggests that this variant is likely to be tolerated. In summary, the available evidence is currently insufficient to determine the role of this variant in disease. Therefore, it has been classified as a Variant of Uncertain Significance.

NM_144701.3(IL23R):c.668C>G (p.Ala223Gly)

Gene: IL23R (interleukin 23 receptor; plus strand). Cytogenetic location: 1p31.3.
Variant type: single nucleotide variant.
Coding change: c.668C>G on transcript NM_144701.3 (MANE Select); coding-DNA position 668, C replaced by G.
Protein change: p.Ala223Gly; replaces alanine 223 with glycine.
Molecular consequence: missense variant.
Genome position (GRCh38, 1-based): chr1:67,206,925, C>G. VCF-style: chr1-67206925-C-G. GRCh37 (hg19) VCF-style: chr1-67672608-C-G.
Other names: short protein forms A223G.
Identifiers: ClinVar variation 4730632 (VCV004730632.1).
Genomic context (GRCh38, chr1:67,206,925, plus strand): 5'-AAGTTTTAAACAGCCAGGTCTTTTTTTTTTTTTTTTTTTTTCTAGTGATACCTTCTGCAG[C>G]CGTCATTTCCAGGGCTGAGACTATAAATGCTACAGTGCCCAAGACCATAATTTATTGGGA-3'
Protein context (NP_653302.2, residues 213-233): HLDDIVIPSA[Ala223Gly]VISRAETINA